The following continues an entry in ClinVar:

NM_000277.3(PAH):c.281TCA[1] (p.Ile95del)

Gene: PAH. ClinVar aggregate classification (germline): Pathogenic. Pathogenic (1).

Submissions 10 to 18 of 18:

Women's Health and Genetics/Laboratory Corporation of America, LabCorp
Classification: Pathogenic for Phenylketonuria. Last evaluated: 2020-06-15. Review status: criteria provided, single submitter. Criteria: LabCorp Variant Classification Summary - May 2015. Collection method: clinical testing. Allele origin: germline. Not counted in ClinVar's aggregate classification.
Comment: Variant summary: PAH c.284_286delTCA (p.Ile95del) results in an in-frame deletion that is predicted to remove one amino acid from the encoded protein. The variant allele was found at a frequency of 2e-05 in 251448 control chromosomes. c.284_286delTCA has been well reported in the literature in multiple individuals affected with Phenylalanine Hydroxylase Deficiency (Phenylketonuria) (example, Chien_2004, Daniele_2007, Caillaud_1991). These data indicate that the variant is very likely to be associated with disease. At least one publication reports experimental evidence evaluating an impact on protein function. The most pronounced variant effect results in <10% of normal enzyme activity (Maximal velocity/Km) due to a markedly decreased subtrate specificity (increased Km) for Phenylalanine (Caillaud_1991). Five clinical diagnostic laboratories have submitted clinical-significance assessments for this variant to ClinVar after 2014 without evidence for independent evaluation. All laboratories classified the variant as pathogenic (n=4)/likely pathogenic(n=1). Based on the evidence outlined above, the variant was classified as pathogenic.

Quest Diagnostics Nichols Institute San Juan Capistrano
Classification: Pathogenic. Last evaluated: 2017-04-07. Review status: criteria provided, single submitter. Criteria: Quest Diagnostics criteria. Collection method: clinical testing. Allele origin: germline. Not counted in ClinVar's aggregate classification.

Eurofins Ntd Llc (ga)
Classification: Pathogenic. Last evaluated: 2013-02-06. Review status: criteria provided, single submitter. Criteria: EGL Classification Definitions 2015. Collection method: clinical testing. Allele origin: germline. Observed: 2 variant alleles, 2 heterozygotes. Not counted in ClinVar's aggregate classification.

Juno Genomics, Hangzhou Juno Genomics, Inc
Classification: Pathogenic for Phenylketonuria. Review status: criteria provided, single submitter. Criteria: ACMG Guidelines, 2015. Collection method: clinical testing. Allele origin: germline. Affected: yes. Not counted in ClinVar's aggregate classification.
Comment: Absent from controls (or at extremely low frequency if recessive) in Genome Aggregation Database, Exome Sequencing Project, 1000 Genomes Project, or Exome Aggregation Consortium.;Protein length changes due to in-frame deletions/insertions in a non-repeat region or stop-loss variants.;For recessive disorders, detected in trans with a pathogenic variant.

UNC Molecular Genetics  Laboratory, University of North Carolina at Chapel Hill
Classification: Pathogenic for Phenylketonuria. Review status: criteria provided, single submitter. Criteria: ACMG Guidelines, 2015. Collection method: research. Allele origin: germline. Affected: yes. Observed: 1 variant allele. Study: NSIGHT-NC NEXUS. Not counted in ClinVar's aggregate classification.
Comment: The PAH c.284_286delTCA (p.I95del) variant results in a deletion of a single amino acid and has been observed in homozygous and compound heterozygous state in individuals with phenylketonuria. This variant has previously been shown to result in a reduced affinity of the PAH enzyme for phenylalanine (PMID: 1709636; 18985011; 19292873; 25894915; 26666653).

Counsyl
Classification: Likely pathogenic for Phenylketonuria. Last evaluated: 2016-05-19. Review status: no assertion criteria provided. Collection method: clinical testing. Allele origin: unknown. Not counted in ClinVar's aggregate classification.

OMIM
Classification: Pathogenic for PHENYLKETONURIA. Last evaluated: 2007-08-15. Review status: no assertion criteria provided. Collection method: literature only. Allele origin: germline. Not counted in ClinVar's aggregate classification.

DeBelle Laboratory for Biochemical Genetics, MUHC/MCH RESEARCH INSTITUTE
No classification provided. Review status: no classification provided. Collection method: not provided. Allele origin: not provided. Not counted in ClinVar's aggregate classification.

DeBelle Laboratory for Biochemical Genetics, MUHC/MCH RESEARCH INSTITUTE
No classification provided. Review status: flagged submission. Collection method: not provided. Allele origin: not provided. Not counted in ClinVar's aggregate classification.
ClinVar note: Reason: This record appears to be redundant with a more recent record from the same submitter.
ClinVar note: Notes: SCV000119488 appears to be redundant with SCV000119489.

Literature cited by the submitters: PubMed 29316886 (cited by ClinGen PAH Variant Curation Expert Panel); PubMed 25894915 (cited by 5 submitters); PubMed 24368688 (cited by 3 submitters); PubMed 30747360 (cited by ClinGen PAH Variant Curation Expert Panel); PubMed 30050108 (cited by ClinGen PAH Variant Curation Expert Panel); PubMed 26666653 (cited by 5 submitters); PubMed 19292873 (cited by 5 submitters); PubMed 29560316 (cited by ClinGen PAH Variant Curation Expert Panel); PubMed 18985011 (cited by 5 submitters); PubMed 26503515 (cited by ClinGen PAH Variant Curation Expert Panel and Quest Diagnostics Nichols Institute San Juan Capistrano); PubMed 17502162 (cited by Natera, Inc.); PubMed 24705691 (cited by 3 submitters); PubMed 1709636 (cited by 6 submitters); PubMed 14722928 (cited by 4 submitters); PubMed 17096675 (cited by 4 submitters); PubMed 23430918 (cited by 3 submitters); PubMed 17935162 (cited by Quest Diagnostics Nichols Institute San Juan Capistrano); PubMed 20217238 (cited by Quest Diagnostics Nichols Institute San Juan Capistrano and Counsyl); PubMed 20457534 (cited by Quest Diagnostics Nichols Institute San Juan Capistrano and Counsyl); PubMed 16256386 (cited by Quest Diagnostics Nichols Institute San Juan Capistrano and Counsyl); PubMed 25255367 (cited by Quest Diagnostics Nichols Institute San Juan Capistrano); PubMed 20301677 (cited by UNC Molecular Genetics  Laboratory, University of North Carolina at Chapel Hill); PubMed 17630668 (cited by OMIM).